The following is an entry in ClinVar:

NM_001360.3(DHCR7):c.1297A>G (p.Ile433Val)

Gene: DHCR7 (7-dehydrocholesterol reductase; minus strand). Cytogenetic location: 11q13.4.
Variant type: single nucleotide variant.
Coding change: c.1297A>G on transcript NM_001360.3 (MANE Select); coding-DNA position 1297, A replaced by G.
Protein change: p.Ile433Val; replaces isoleucine 433 with valine.
Molecular consequence: missense variant.
Genome position (GRCh38, 1-based): chr11:71,435,506, T>C on the plus strand (A>G on the coding strand, the complement: DHCR7 is on the minus strand). VCF-style: chr11-71435506-T-C. GRCh37 (hg19) VCF-style: chr11-71146552-T-C.
Other names: c.1297A>G, p.Ile433Val (NM_001163817.2); short protein forms I433V.
Identifiers: ClinVar variation 1306280 (VCV001306280.3), dbSNP rs1244124212, ClinGen allele CA381701004.

ClinVar aggregate classification (germline): Uncertain significance. Review status: criteria provided, multiple submitters, no conflicts (2 of 4 stars). 2 submissions from 2 submitters: Uncertain significance (2). Last evaluated 2021-11-29.

Conditions:
Smith-Lemli-Opitz syndrome (SLOS). Also called: LETHAL ACRODYSGENITAL SYNDROME; 7-Dehydrocholesterol reductase deficiency; POLYDACTYLY, SEX REVERSAL, RENAL HYPOPLASIA, AND UNILOBAR LUNG; RSH SYNDROME; RUTLEDGE LETHAL MULTIPLE CONGENITAL ANOMALY SYNDROME. Identifiers: Orphanet 818, MedGen C0175694, MONDO:0010035, OMIM 270400.

Allele frequency attached by ClinVar (database versions not stated): gnomAD exomes below 0.00001; TOPMed below 0.00001.

Submissions (2):

Fulgent Genetics
Classification: Uncertain significance for Smith-Lemli-Opitz syndrome. Last evaluated: 2021-11-29. Review status: criteria provided, single submitter. Criteria: ACMG Guidelines, 2015. Collection method: clinical testing. Allele origin: unknown.

GeneDx
Classification: Uncertain significance. Last evaluated: 2019-06-06. Review status: criteria provided, single submitter. Criteria: GeneDx Variant Classification Process June 2021. Collection method: clinical testing. Allele origin: germline. Affected: yes.
Comment: Not observed at a significant frequency in large population cohorts (Lek et al., 2016); The majority of missense variants in this gene are considered pathogenic (Stenson et al., 2014); In silico analysis, which includes protein predictors and evolutionary conservation, supports that this variant does not alter protein structure/function; Has not been previously published as pathogenic or benign to our knowledge